The following is an entry in ClinVar:

NM_005228.5(EGFR):c.1606G>A (p.Val536Met)

Gene: EGFR (epidermal growth factor receptor; plus strand). Cytogenetic location: 7p11.2.
Variant type: single nucleotide variant.
Coding change: c.1606G>A on transcript NM_005228.5 (MANE Select); coding-DNA position 1606, G replaced by A.
Protein change: p.Val536Met; replaces valine 536 with methionine.
Molecular consequence: missense variant.
Genome position (GRCh38, 1-based): chr7:55,161,606, G>A. VCF-style: chr7-55161606-G-A. GRCh37 (hg19) VCF-style: chr7-55229299-G-A.
Other names: c.1471G>A, p.Val491Met (NM_001346897.2, NM_001346899.2); c.1606G>A, p.Val536Met (NM_001346898.2, NM_201282.2, NM_201284.2); c.1447G>A, p.Val483Met (NM_001346900.2); c.805G>A, p.Val269Met (NM_001346941.2); c.1606G>A (NM_005228.3); short protein forms V269M, V483M, V491M, V536M.
Identifiers: ClinVar variation 1052743 (VCV001052743.11), dbSNP rs767193132, ClinGen allele CA4265625.

ClinVar aggregate classification (germline): Uncertain significance. Review status: criteria provided, multiple submitters, no conflicts (2 of 4 stars). 3 submissions from 3 submitters: Uncertain significance (3). Last evaluated 2025-12-08.

Conditions:
Hereditary cancer-predisposing syndrome. Also called: Hereditary Cancer Syndrome; Tumor predisposition; Hereditary neoplastic syndrome; Neoplastic Syndromes, Hereditary. Identifiers: Orphanet 140162, MedGen C0027672, MeSH D009386, MONDO:0015356.
EGFR-related lung cancer (EGFR). Identifiers: MedGen CN130014.

Allele frequency attached by ClinVar (database versions not stated): gnomAD 0.00001; TOPMed 0.00001; ExAC 0.00002; gnomAD exomes 0.00002.
gnomAD v4.1: 35 of 1,614,156 alleles (0.0022%); highest among the groups gnomAD compares: South Asian, 0.0066%; no homozygotes.

Submissions (3):

Labcorp Genetics (formerly Invitae), Labcorp
Classification: Uncertain significance for EGFR-related lung cancer. Last evaluated: 2025-12-08. Review status: criteria provided, single submitter. Criteria: Invitae Variant Classification Sherloc (09022015). Collection method: clinical testing. Allele origin: germline.
Comment: This sequence change replaces valine, which is neutral and non-polar, with methionine, which is neutral and non-polar, at codon 536 of the EGFR protein (p.Val536Met). This variant is present in population databases (rs767193132, gnomAD 0.006%). This missense change has been observed in individual(s) with ovarian cancer (PMID: 36451132). ClinVar contains an entry for this variant (Variation ID: 1052743). Invitae Evidence Modeling of protein sequence and biophysical properties (such as structural, functional, and spatial information, amino acid conservation, physicochemical variation, residue mobility, and thermodynamic stability) indicates that this missense variant is not expected to disrupt EGFR protein function with a negative predictive value of 80%. In summary, the available evidence is currently insufficient to determine the role of this variant in disease. Therefore, it has been classified as a Variant of Uncertain Significance.

Ambry Genetics
Classification: Uncertain significance for Hereditary cancer-predisposing syndrome. Last evaluated: 2024-10-17. Review status: criteria provided, single submitter. Criteria: Ambry Variant Classification Scheme 2023. Collection method: clinical testing. Allele origin: germline.
Comment: The p.V536M variant (also known as c.1606G>A), located in coding exon 13 of the EGFR gene, results from a G to A substitution at nucleotide position 1606. The valine at codon 536 is replaced by methionine, an amino acid with highly similar properties. This amino acid position is highly conserved in available vertebrate species. In addition, the in silico prediction for this alteration is inconclusive. Based on the available evidence, the clinical significance of this variant remains unclear.

Blueprint Genetics
Classification: Uncertain significance. Last evaluated: 2024-10-14. Review status: criteria provided, single submitter. Criteria: ACMG Guidelines, 2015. Collection method: clinical testing. Allele origin: germline.

Literature cited by the submitters: PubMed 36451132 (cited by Labcorp Genetics (formerly Invitae), Labcorp).